The following is an entry in ClinVar:

ClinVar aggregate classification (germline): Uncertain significance (1 of 4 stars; one submission).

Conditions:
Thrombophilia due to protein S deficiency, autosomal recessive (THPH6). Identifiers: Orphanet 743, MedGen C3281092, MONDO:0013791, OMIM 614514. Disease mechanism: loss of function.

Allele frequency attached by ClinVar (database versions not stated): gnomAD exomes 0.00001; ExAC 0.00002; gnomAD 0.00009; 1000 Genomes Project 30x 0.00016; TOPMed 0.00018; 1000 Genomes Project 0.00020; ESP Exome Variant Server 0.00023.
gnomAD v4.1: 39 of 1,611,372 alleles (0.0024%); highest among the groups gnomAD compares: African/African-American, 0.023%; no homozygotes.

Submission:

Labcorp Genetics (formerly Invitae), Labcorp
Classification: Uncertain significance for Thrombophilia due to protein S deficiency, autosomal recessive. Last evaluated: 2023-09-08. Review status: criteria provided, single submitter. Criteria: Invitae Variant Classification Sherloc (09022015). Collection method: clinical testing. Allele origin: germline.
Comment: Advanced modeling of protein sequence and biophysical properties (such as structural, functional, and spatial information, amino acid conservation, physicochemical variation, residue mobility, and thermodynamic stability) performed at Invitae indicates that this missense variant is not expected to disrupt PROS1 protein function. This sequence change replaces alanine, which is neutral and non-polar, with valine, which is neutral and non-polar, at codon 616 of the PROS1 protein (p.Ala616Val). This variant is present in population databases (rs145711536, gnomAD 0.03%). This missense change has been observed in individual(s) with protein S deficiency (PMID: 26466767). In summary, the available evidence is currently insufficient to determine the role of this variant in disease. Therefore, it has been classified as a Variant of Uncertain Significance.

Literature cited by the submitters: PubMed 26466767.

NM_000313.4(PROS1):c.1847C>T (p.Ala616Val)

Gene: PROS1 (protein S; minus strand). Cytogenetic location: 3q11.1.
Variant type: single nucleotide variant.
Coding change: c.1847C>T on transcript NM_000313.4 (MANE Select); coding-DNA position 1847, C replaced by T.
Protein change: p.Ala616Val; replaces alanine 616 with valine.
Molecular consequence: missense variant.
Genome position (GRCh38, 1-based): chr3:93,876,989, G>A on the plus strand (C>T on the coding strand, the complement: PROS1 is on the minus strand). VCF-style: chr3-93876989-G-A. GRCh37 (hg19) VCF-style: chr3-93595833-G-A.
Other names: c.1943C>T, p.Ala648Val (NM_001314077.2); short protein forms A616V, A648V.
Identifiers: ClinVar variation 2853093 (VCV002853093.1), dbSNP rs145711536, ClinGen allele CA2503086.